The following is an entry in ClinVar:

ClinVar aggregate classification (germline): Likely benign. Review status: criteria provided, multiple submitters, no conflicts (2 of 4 stars). 2 submissions from 2 submitters: Likely benign (2). Last evaluated 2023-10-20.

Conditions:
Hereditary hyperekplexia. Identifiers: Orphanet 3197, MedGen C4084968, MONDO:0021022.

Submissions (2):

Women's Health and Genetics/Laboratory Corporation of America, LabCorp
Classification: Likely benign. Last evaluated: 2023-10-20. Review status: criteria provided, single submitter. Criteria: LabCorp Variant Classification Summary - May 2015. Collection method: clinical testing. Allele origin: germline.
Comment: Variant summary: GLRA1 c.477-13C>T alters a non-conserved nucleotide located at a position not widely known to affect splicing. Consensus agreement among computation tools predict no significant impact on normal splicing. However, these predictions have yet to be confirmed by functional studies. The variant was absent in 251376 control chromosomes (gnomAD). The available data on variant occurrences in the general population are insufficient to allow any conclusion about variant significance. To our knowledge, no occurrence of c.477-13C>T in individuals affected with Hyperekplexia 1 and no experimental evidence demonstrating its impact on protein function have been reported. No submitters have cited clinical-significance assessments for this variant to ClinVar after 2014. Based on the evidence outlined above, the variant was classified as likely benign.

Labcorp Genetics (formerly Invitae), Labcorp
Classification: Likely benign for Hereditary hyperekplexia. Last evaluated: 2023-10-16. Review status: criteria provided, single submitter. Criteria: Invitae Variant Classification Sherloc (09022015). Collection method: clinical testing. Allele origin: germline.

NM_000171.4(GLRA1):c.477-13C>T

Gene: GLRA1 (glycine receptor alpha 1; minus strand). Cytogenetic location: 5q33.1.
Variant type: single nucleotide variant.
Coding change: c.477-13C>T on transcript NM_000171.4 (MANE Select); 13 bases into the intron before coding-DNA position 477, C replaced by T.
Molecular consequence: intron variant.
Genome position (GRCh38, 1-based): chr5:151,856,396, G>A on the plus strand (C>T on the coding strand, the complement: GLRA1 is on the minus strand). VCF-style: chr5-151856396-G-A. GRCh37 (hg19) VCF-style: chr5-151235957-G-A.
Other names: c.228-13C>T (NM_001292000.2); c.477-13C>T (NM_001146040.2).
Identifiers: ClinVar variation 2637835 (VCV002637835.4), dbSNP rs2479981687, ClinGen allele CA2695198783.